The following is an entry in ClinVar:

ClinVar aggregate classification (germline): Benign/Likely benign. Review status: criteria provided, multiple submitters, no conflicts (2 of 4 stars). 3 submissions from 3 submitters: Benign (1); Likely benign (1). 1 of the submissions does not count toward it. Last evaluated 2025-11-03.

Conditions:
CTBP1-related disorder. Also called: CTBP1-related condition.

Allele frequency attached by ClinVar (database versions not stated): TOPMed 0.00073; ESP Exome Variant Server 0.00077; 1000 Genomes Project 30x 0.00078; 1000 Genomes Project 0.00080.

Submissions (3):

Labcorp Genetics (formerly Invitae), Labcorp
Classification: Benign. Last evaluated: 2025-11-03. Review status: criteria provided, single submitter. Criteria: Invitae Variant Classification Sherloc (09022015). Collection method: clinical testing. Allele origin: germline.

Mayo Clinic Laboratories, Mayo Clinic
Classification: Likely benign. Last evaluated: 2024-10-14. Review status: criteria provided, single submitter. Criteria: ACMG Guidelines, 2015. Collection method: clinical testing. Allele origin: germline. Observed: 1 variant allele.
Comment: BS2, BP4, BP7

PreventionGenetics, part of Exact Sciences
Classification: Likely benign for CTBP1-related condition. Last evaluated: 2023-02-26. Review status: no assertion criteria provided. Collection method: clinical testing. Allele origin: germline. Not counted in ClinVar's aggregate classification.
Comment: This variant is classified as likely benign based on ACMG/AMP sequence variant interpretation guidelines (Richards et al. 2015 PMID: 25741868, with internal and published modifications).

NM_001012614.2(CTBP1):c.163-8C>T

Gene: CTBP1 (C-terminal binding protein 1; minus strand). Cytogenetic location: 4p16.3.
Variant type: single nucleotide variant.
Coding change: c.163-8C>T on transcript NM_001012614.2 (MANE Select); 8 bases into the intron before coding-DNA position 163, C replaced by T.
Molecular consequence: intron variant.
Genome position (GRCh38, 1-based): chr4:1,228,351, G>A on the plus strand (C>T on the coding strand, the complement: CTBP1 is on the minus strand). VCF-style: chr4-1228351-G-A. GRCh37 (hg19) VCF-style: chr4-1222139-G-A.
Other names: p.?; c.196-8C>T (NM_001328.3).
Identifiers: ClinVar variation 729853 (VCV000729853.12), dbSNP rs111230970, ClinGen allele CA2804476.